The following is an entry in ClinVar:

ClinVar aggregate classification (germline): Conflicting classifications of pathogenicity. Review status: criteria provided, conflicting classifications (1 of 4 stars). 8 submissions from 8 submitters: Uncertain significance (5); Likely benign (1). 2 of the submissions do not count toward it. Last evaluated 2025-12-15.

Conditions:
Gastrointestinal stromal tumor. Also called: Gastrointestinal stroma tumor; Gastrointestinal stromal tumor, somatic. Identifiers: Orphanet 44890, MedGen C0238198, MeSH D046152, MONDO:0011719, OMIM 606764, HP:0100723.
Hereditary pheochromocytoma and paraganglioma. Also called: Hereditary Paraganglioma-Pheochromocytoma Syndromes; Hereditary pheochromocytoma-paraganglioma; Hereditary paragangliomas and pheochromocytomas. Identifiers: Orphanet 29072, MedGen C4274332, MONDO:0017366.
Hereditary cancer-predisposing syndrome. Also called: Tumor predisposition; Neoplastic Syndromes, Hereditary; Hereditary Cancer Syndrome; Hereditary neoplastic syndrome. Identifiers: Orphanet 140162, MedGen C0027672, MeSH D009386, MONDO:0015356.
Pheochromocytoma/paraganglioma syndrome 3. Also called: SDHC-Related Hereditary Paraganglioma-Pheochromocytoma Syndrome (Paragangliomas 3); SDHC-Related Hereditary Paraganglioma-Pheochromocytoma Syndrome; GLOMUS TUMORS, FAMILIAL, 3; Paragangliomas 3. Identifiers: Orphanet 29072, MedGen C1854336, MONDO:0011544, OMIM 605373.
Neuroblastoma (NB). Identifiers: Orphanet 635, MedGen C0027819, MeSH D009447, MONDO:0005072, HP:0003006.

Allele frequency attached by ClinVar (database versions not stated): gnomAD 0.00001 and 0.00002; ExAC 0.00002; gnomAD exomes 0.00002 and 0.00003; TOPMed 0.00002.
gnomAD v4.1: 44 of 1,613,702 alleles (0.0027%); highest among the groups gnomAD compares: Middle Eastern, 0.016%; no homozygotes.

Submissions (9):

Labcorp Genetics (formerly Invitae), Labcorp
Classification: Uncertain significance for Pheochromocytoma/paraganglioma syndrome 3; Gastrointestinal stromal tumor. Last evaluated: 2025-12-15. Review status: criteria provided, single submitter. Criteria: Invitae Variant Classification Sherloc (09022015). Collection method: clinical testing. Allele origin: germline.
Comment: This sequence change replaces alanine, which is neutral and non-polar, with valine, which is neutral and non-polar, at codon 66 of the SDHC protein (p.Ala66Val). This variant is present in population databases (rs760572684, gnomAD 0.005%). This missense change has been observed in individual(s) with Cowden Syndrome-like disorder (CSL) (PMID: 21979946). ClinVar contains an entry for this variant (Variation ID: 371843). An algorithm developed to predict the effect of missense changes on protein structure and function outputs the following: PolyPhen-2: "Benign". The valine amino acid residue is found in multiple mammalian species, which suggests that this missense change does not adversely affect protein function. RNA analysis performed to evaluate the impact of this missense change on mRNA splicing indicates it does not significantly alter splicing (internal data). In summary, the available evidence is currently insufficient to determine the role of this variant in disease. Therefore, it has been classified as a Variant of Uncertain Significance.

Ambry Genetics
Classification: Uncertain significance for Hereditary cancer-predisposing syndrome. Last evaluated: 2024-12-22. Review status: criteria provided, single submitter. Criteria: Ambry Variant Classification Scheme 2023. Collection method: clinical testing. Allele origin: germline.
Comment: The p.A66V variant (also known as c.197C>T), located in coding exon 4 of the SDHC gene, results from a C to T substitution at nucleotide position 197. The alanine at codon 66 is replaced by valine, an amino acid with similar properties. This amino acid position is not well conserved in available vertebrate species, and valine is the reference amino acid in other vertebrate species. In addition, the in silico prediction for this alteration is inconclusive. Based on the available evidence, the clinical significance of this variant remains unclear.

Blueprint Genetics
Classification: Likely benign. Last evaluated: 2024-11-22. Review status: criteria provided, single submitter. Criteria: ACMG Guidelines, 2015. Collection method: clinical testing. Allele origin: germline.

Color Diagnostics, LLC DBA Color Health
Classification: Uncertain significance for Hereditary pheochromocytoma and paraganglioma. Last evaluated: 2024-04-02. Review status: criteria provided, single submitter. Criteria: ACMG Guidelines, 2015. Collection method: clinical testing. Allele origin: germline.
Comment: This missense variant replaces alanine with valine at codon 66 of the SDHC protein. Computational prediction is inconclusive regarding the impact of this variant on protein structure and function. To our knowledge, functional studies have not been reported for this variant. This variant has not been reported in individuals affected with SDHC-related disorders in the literature. The variant has been observed in an individual affected with Cowden-like syndrome (PMID: 21979946) This variant has been identified in 8/280362 chromosomes in the general population by the Genome Aggregation Database (gnomAD). The available evidence is insufficient to determine the role of this variant in disease conclusively. Therefore, this variant is classified as a Variant of Uncertain Significance.

Baylor Genetics
Classification: Uncertain significance for Gastrointestinal stromal tumor. Last evaluated: 2023-12-26. Review status: criteria provided, single submitter. Criteria: ACMG Guidelines, 2015. Collection method: clinical testing. Allele origin: unknown.

Myriad Genetics, Inc.
Classification: Uncertain significance for Pheochromocytoma/paraganglioma syndrome 3. Last evaluated: 2023-07-06. Review status: criteria provided, single submitter. Criteria: Myriad Autosomal Dominant, Autosomal Recessive and X-Linked Classification Criteria (2023). Collection method: clinical testing. Allele origin: unknown.
Comment: This variant is classified as a variant of uncertain significance as there is insufficient evidence to determine its impact on protein function and/or cancer risk.

Counsyl
Classification: Uncertain significance for Pheochromocytoma/paraganglioma syndrome 3. Last evaluated: 2016-05-09. Review status: no assertion criteria provided. Collection method: clinical testing. Allele origin: unknown. Not counted in ClinVar's aggregate classification.

Dr. Peter K. Rogan Lab, Western University
No classification provided (evidence only). Condition: Lung cancer. Review status: no classification provided. Collection method: in vitro. Allele origin: not applicable. Functional consequence: retained intron. Not counted in ClinVar's aggregate classification.

Laboratory of Medical Genetics Unit, Bambino Gesù Children's Hospital
Classification: Likely benign for Neuroblastoma. Review status: no assertion criteria provided. Criteria: ACMG Guidelines, 2015. Collection method: clinical testing. Allele origin: maternal. Affected: yes. Not counted in ClinVar's aggregate classification.

Literature cited by the submitters: PubMed 21979946 (cited by 3 submitters).

NM_003001.5(SDHC):c.197C>T (p.Ala66Val)

Gene: SDHC (succinate dehydrogenase complex subunit C; plus strand). Cytogenetic location: 1q23.3.
Variant type: single nucleotide variant.
Coding change: c.197C>T on transcript NM_003001.5 (MANE Select); coding-DNA position 197, C replaced by T.
Protein change: p.Ala66Val; replaces alanine 66 with valine.
Molecular consequence: missense variant.
Genome position (GRCh38, 1-based): chr1:161,340,611, C>T. VCF-style: chr1-161340611-C-T. GRCh37 (hg19) VCF-style: chr1-161310401-C-T.
Other names: c.197C>T, p.Ala66Val (NM_001035511.3); c.95C>T, p.Ala32Val (NM_001035512.3, NM_001278172.3, NM_001407118.1); c.38C>T, p.Ala13Val (NM_001035513.3); c.317C>T, p.Ala106Val (NM_001407115.1); c.140C>T, p.Ala47Val (NM_001407116.1, NM_001407117.1, NM_001407121.1); c.86C>T, p.Ala29Val (NM_001407119.1, NM_001407120.1); short protein forms A66V, A13V, A32V, A106V, A29V, A47V.
Identifiers: ClinVar variation 371843 (VCV000371843.35), dbSNP rs760572684, ClinGen allele CA046267.